The following is an entry in ClinVar:

ClinVar aggregate classification (germline): Uncertain significance. Review status: criteria provided, single submitter (1 of 4 stars). 2 submissions from 2 submitters: Uncertain significance (1). 1 of the submissions does not count toward it. Last evaluated 2025-09-08.

Conditions:
Retinitis pigmentosa 12 (RP12). Also called: RP WITH OR WITHOUT PRESERVED PARAARTERIOLE RETINAL PIGMENT EPITHELIUM; RETINITIS PIGMENTOSA WITH OR WITHOUT PARAARTERIOLAR PRESERVATION OF RETINAL PIGMENT EPITHELIUM; RP WITH OR WITHOUT PPRPE. Identifiers: Orphanet 791, MedGen C1838647, MONDO:0010818, OMIM 600105.
Leber congenital amaurosis 8 (LCA8). Identifiers: Orphanet 65, MedGen C3151202, MONDO:0013453, OMIM 613835.
Leber congenital amaurosis (LCA). Also called: Leber's amaurosis. Identifiers: Orphanet 65, MedGen C0339527, MeSH D057130, MONDO:0018998.

Allele frequency attached by ClinVar (database versions not stated): ExAC 0.00001; gnomAD 0.00001; gnomAD exomes 0.00001; TOPMed 0.00001.
gnomAD v4.1: 14 of 1,609,860 alleles (0.00087%); highest among the groups gnomAD compares: Non-Finnish European, 0.0012%; no homozygotes.

Submissions (2):

Labcorp Genetics (formerly Invitae), Labcorp
Classification: Uncertain significance for Leber congenital amaurosis 8; Retinitis pigmentosa 12. Last evaluated: 2025-09-08. Review status: criteria provided, single submitter. Criteria: Invitae Variant Classification Sherloc (09022015). Collection method: clinical testing. Allele origin: germline.
Comment: This sequence change replaces valine, which is neutral and non-polar, with leucine, which is neutral and non-polar, at codon 1213 of the CRB1 protein (p.Val1213Leu). This variant is present in population databases (rs759022743, gnomAD 0.0009%). This variant has not been reported in the literature in individuals affected with CRB1-related conditions. ClinVar contains an entry for this variant (Variation ID: 1038435). Invitae Evidence Modeling of protein sequence and biophysical properties (such as structural, functional, and spatial information, amino acid conservation, physicochemical variation, residue mobility, and thermodynamic stability) has been performed for this missense variant. However, the output from this modeling did not meet the statistical confidence thresholds required to predict the impact of this variant on CRB1 protein function. In summary, the available evidence is currently insufficient to determine the role of this variant in disease. Therefore, it has been classified as a Variant of Uncertain Significance.

Natera, Inc.
Classification: Uncertain significance for Leber congenital amaurosis. Last evaluated: 2020-02-26. Review status: no assertion criteria provided. Collection method: clinical testing. Allele origin: germline. Not counted in ClinVar's aggregate classification.

NM_201253.3(CRB1):c.3637G>C (p.Val1213Leu)

Gene: CRB1 (crumbs cell polarity complex component 1; plus strand). Cytogenetic location: 1q31.3.
Variant type: single nucleotide variant.
Coding change: c.3637G>C on transcript NM_201253.3 (MANE Select); coding-DNA position 3637, G replaced by C.
Protein change: p.Val1213Leu; replaces valine 1213 with leucine.
Molecular consequence: missense variant. On other transcripts: non-coding transcript variant (2), intron variant (1).
Genome position (GRCh38, 1-based): chr1:197,435,500, G>C. VCF-style: chr1-197435500-G-C. GRCh37 (hg19) VCF-style: chr1-197404630-G-C.
Other names: c.3301G>C, p.Val1101Leu (NM_001193640.2); c.3565G>C, p.Val1189Leu (NM_001257965.2); c.2129-100G>C (NM_001257966.2); short protein forms V1213L, V1101L, V1189L.
Identifiers: ClinVar variation 1038435 (VCV001038435.8), dbSNP rs759022743, ClinGen allele CA1312368.